The following is an entry in ClinVar:

NM_001127511.3(APC):c.-168G>A

Gene: APC (APC regulator of Wnt signaling pathway; plus strand). Cytogenetic location: 5q22.2.
Variant type: single nucleotide variant.
Coding change: c.-168G>A on transcript NM_001127511.3; 168 bases upstream of the start codon, G replaced by A.
Molecular consequence: 5 prime UTR variant. On other transcripts: non-coding transcript variant (2).
Genome position (GRCh38, 1-based): chr5:112,707,550, G>A. VCF-style: chr5-112707550-G-A. GRCh37 (hg19) VCF-style: chr5-112043247-G-A.
Other names: c.-351G>A (NM_001354895.2, NM_001407447.1, NM_001407452.1 and 3 more transcripts); c.-168G>A (NM_001354897.2, NM_001354902.2, NM_001407446.1); c.-118G>A (NM_001407448.1, NM_001407450.1, NM_001407457.1 and 1 more transcripts); c.-142G>A (NM_001407453.1); c.-1386G>A (NM_001407470.1, NM_001407472.1).
Identifiers: ClinVar variation 537624 (VCV000537624.9), dbSNP rs1554060194, ClinGen allele CA658796607.

ClinVar aggregate classification (germline): Uncertain significance (1 of 4 stars; one submission).

Conditions:
Familial adenomatous polyposis 1 (FAP1). Also called: FAMILIAL ADENOMATOUS POLYPOSIS 1, ATTENUATED; POLYPOSIS, ADENOMATOUS INTESTINAL. Identifiers: MedGen C2713442, MONDO:0021056, OMIM 175100. Disease mechanism: loss of function.

Submission:

Labcorp Genetics (formerly Invitae), Labcorp
Classification: Uncertain significance for Familial adenomatous polyposis 1. Last evaluated: 2025-10-29. Review status: criteria provided, single submitter. Criteria: Invitae Variant Classification Sherloc (09022015). Collection method: clinical testing. Allele origin: germline.
Comment: This variant occurs in a non-coding region of the APC gene. It does not change the encoded amino acid sequence of the APC protein. This variant is not present in population databases (gnomAD no frequency). This variant has not been reported in the literature in individuals affected with APC-related conditions. ClinVar contains an entry for this variant (Variation ID: 537624). Experimental studies and prediction algorithms are not available or were not evaluated, and the functional significance of this variant is currently unknown. In summary, the available evidence is currently insufficient to determine the role of this variant in disease. Therefore, it has been classified as a Variant of Uncertain Significance.